The following is an entry in ClinVar:

NM_000218.3(KCNQ1):c.1047G>A (p.Ser349=)

Gene: KCNQ1 (potassium voltage-gated channel subfamily Q member 1; plus strand). Cytogenetic location: 11p15.5.
Variant type: single nucleotide variant.
Coding change: c.1047G>A on transcript NM_000218.3 (MANE Select); coding-DNA position 1047, G replaced by A.
Protein change: p.Ser349=; no amino-acid change (serine 349 retained).
Molecular consequence: synonymous variant. On other transcripts: intron variant (2).
Genome position (GRCh38, 1-based): chr11:2,585,226, G>A. VCF-style: chr11-2585226-G-A. GRCh37 (hg19) VCF-style: chr11-2606456-G-A.
Other names: c.777G>A, p.Ser259= (NM_001406837.1); c.666G>A, p.Ser222= (NM_181798.2); c.1032+1681G>A (NM_001406836.1); c.588+1681G>A (NM_001406838.1).
Identifiers: ClinVar variation 227458 (VCV000227458.51), dbSNP rs199630316, ClinGen allele CA026978.

ClinVar aggregate classification (germline): Likely benign. Review status: criteria provided, multiple submitters, no conflicts (2 of 4 stars). 7 submissions from 7 submitters: Likely benign (7). Last evaluated 2026-07-02.

Conditions:
Cardiac arrhythmia. Also called: Cardiac rhythm disease; Arrhythmia. Identifiers: MedGen C0003811, MONDO:0007263, HP:0011675.
Cardiovascular phenotype. Identifiers: MedGen CN230736.
KCNQ1-related disorder. Also called: KCNQ1-related condition; KCNQ1-related disorders. Identifiers: MedGen CN239322.
Long QT syndrome (LQTS). Identifiers: MedGen C0023976, MeSH D008133, MONDO:0002442. Disease mechanism: loss of function. Inheritance: Various modes of inheritance.

Allele frequency attached by ClinVar (database versions not stated): gnomAD 0.00001 and 0.00002; TOPMed 0.00001; ExAC 0.00003; ESP Exome Variant Server 0.00008; 1000 Genomes Project 30x 0.00016; 1000 Genomes Project 0.00020.
gnomAD v4.1: 31 of 1,614,032 alleles (0.0019%); highest among the groups gnomAD compares: South Asian, 0.0044%; no homozygotes.

Submissions (7):

PreventionGenetics, part of Exact Sciences
Classification: Likely benign for KCNQ1-related condition. Last evaluated: 2026-07-02. Review status: criteria provided, single submitter. Criteria: ACMG Guidelines, 2015. Collection method: clinical testing. Allele origin: germline.
Comment: This variant is classified as likely benign based on ACMG/AMP sequence variant interpretation guidelines (Richards et al. 2015 PMID: 25741868, with internal and published modifications).

CeGaT Center for Human Genetics Tuebingen
Classification: Likely benign. Last evaluated: 2025-09-01. Review status: criteria provided, single submitter. Criteria: CeGaT Center For Human Genetics Tuebingen Variant Classification Criteria Version 2. Collection method: clinical testing. Allele origin: germline. Affected: yes. Observed: 2 variant alleles.
Comment: KCNQ1: BP4, BP7

Labcorp Genetics (formerly Invitae), Labcorp
Classification: Likely benign for Long QT syndrome. Last evaluated: 2025-06-02. Review status: criteria provided, single submitter. Criteria: Invitae Variant Classification Sherloc (09022015). Collection method: clinical testing. Allele origin: germline.

All of Us Research Program, National Institutes of Health
Classification: Likely benign for Long QT syndrome. Last evaluated: 2023-12-13. Review status: criteria provided, single submitter. Criteria: ACMG Guidelines, 2015. Collection method: clinical testing. Allele origin: germline. Inheritance: Autosomal dominant inheritance. Observed: 12 variant alleles, 12 heterozygotes.
Comment: This study involves interpretation of variants in research participants for the purpose of population health screening. Participant phenotype was not available at the time of variant classification. Additional details can be found in publication PMID: 35346344, PMCID: PMC8962531

Ambry Genetics
Classification: Likely benign for Cardiovascular phenotype. Last evaluated: 2020-12-23. Review status: criteria provided, single submitter. Criteria: Ambry Variant Classification Scheme 2023. Collection method: clinical testing. Allele origin: germline.

Color Diagnostics, LLC DBA Color Health
Classification: Likely benign for Arrhythmia. Last evaluated: 2018-10-17. Review status: criteria provided, single submitter. Criteria: ACMG Guidelines, 2015. Collection method: clinical testing. Allele origin: germline.

Laboratory for Molecular Medicine, Mass General Brigham Personalized Medicine
Classification: Likely benign. Last evaluated: 2015-02-20. Review status: criteria provided, single submitter. Criteria: LMM Criteria. Collection method: clinical testing. Allele origin: germline. Observed: 1 variant allele.
Comment: p.Ser349Ser in exon 8 of KCNQ1: This variant is not expected to have clinical si gnificance because it does not alter an amino acid residue and is not located wi thin the splice consensus sequence. It has been identified in 4/66514 of Europea n chromosomes by the Exome Aggregation Consortium (ExAC; dbSNP rs199630316).